The following is an entry in ClinVar:

ClinVar aggregate classification (germline): Uncertain significance. Review status: criteria provided, multiple submitters, no conflicts (2 of 4 stars). 3 submissions from 3 submitters: Uncertain significance (3). Last evaluated 2024-11-03.

Conditions:
DK1-congenital disorder of glycosylation. Also called: DOLK-congenital disorder of glycosylation; Carbohydrate deficient glycoprotein syndrome type 1m; DK1-CDG; DK1 DEFICIENCY; DOLICHOL KINASE DEFICIENCY; CONGENITAL DISORDER OF GLYCOSYLATION, TYPE Im. Identifiers: Orphanet 91131, MedGen C1835849, MONDO:0012556, OMIM 610768.
Cardiovascular phenotype. Identifiers: MedGen CN230736.

Allele frequency attached by ClinVar (database versions not stated): gnomAD 0.00001 and 0.00003; gnomAD exomes 0.00001 and 0.00002; ExAC 0.00002; TOPMed 0.00002; 1000 Genomes Project 30x 0.00016; 1000 Genomes Project 0.00020.
gnomAD v4.1: 30 of 1,614,114 alleles (0.0019%); highest among the groups gnomAD compares: Non-Finnish European, 0.002%; no homozygotes.

Submissions (3):

Ambry Genetics
Classification: Uncertain significance for Cardiovascular phenotype. Last evaluated: 2024-11-03. Review status: criteria provided, single submitter. Criteria: Ambry Variant Classification Scheme 2023. Collection method: clinical testing. Allele origin: germline.
Comment: The p.L532F variant (also known as c.1594C>T), located in coding exon 1 of the DOLK gene, results from a C to T substitution at nucleotide position 1594. The leucine at codon 532 is replaced by phenylalanine, an amino acid with highly similar properties. This amino acid position is conserved. In addition, this alteration is predicted to be deleterious by in silico analysis. Since supporting evidence is limited at this time, the clinical significance of this alteration remains unclear.

Labcorp Genetics (formerly Invitae), Labcorp
Classification: Uncertain significance for DK1-congenital disorder of glycosylation. Last evaluated: 2023-10-03. Review status: criteria provided, single submitter. Criteria: Invitae Variant Classification Sherloc (09022015). Collection method: clinical testing. Allele origin: germline.
Comment: This sequence change replaces leucine, which is neutral and non-polar, with phenylalanine, which is neutral and non-polar, at codon 532 of the DOLK protein (p.Leu532Phe). This variant is present in population databases (rs140350881, gnomAD 0.003%). This variant has not been reported in the literature in individuals affected with DOLK-related conditions. ClinVar contains an entry for this variant (Variation ID: 1440881). Advanced modeling of protein sequence and biophysical properties (such as structural, functional, and spatial information, amino acid conservation, physicochemical variation, residue mobility, and thermodynamic stability) performed at Invitae indicates that this missense variant is not expected to disrupt DOLK protein function. In summary, the available evidence is currently insufficient to determine the role of this variant in disease. Therefore, it has been classified as a Variant of Uncertain Significance.

Fulgent Genetics
Classification: Uncertain significance for DK1-congenital disorder of glycosylation. Last evaluated: 2021-08-11. Review status: criteria provided, single submitter. Criteria: ACMG Guidelines, 2015. Collection method: clinical testing. Allele origin: unknown.

NM_014908.4(DOLK):c.1594C>T (p.Leu532Phe)

Gene: DOLK (dolichol kinase; minus strand). Cytogenetic location: 9q34.11.
Variant type: single nucleotide variant.
Coding change: c.1594C>T on transcript NM_014908.4 (MANE Select); coding-DNA position 1594, C replaced by T.
Protein change: p.Leu532Phe; replaces leucine 532 with phenylalanine.
Molecular consequence: missense variant.
Genome position (GRCh38, 1-based): chr9:128,945,710, G>A on the plus strand (C>T on the coding strand, the complement: DOLK is on the minus strand). VCF-style: chr9-128945710-G-A. GRCh37 (hg19) VCF-style: chr9-131707989-G-A.
Other names: short protein forms L532F.
Identifiers: ClinVar variation 1440881 (VCV001440881.10), dbSNP rs140350881, ClinGen allele CA5271539.